The following is an entry in ClinVar:

ClinVar aggregate classification (germline): Uncertain significance (1 of 4 stars; one submission).

Submission:

Labcorp Genetics (formerly Invitae), Labcorp
Classification: Uncertain significance. Last evaluated: 2022-04-15. Review status: criteria provided, single submitter. Criteria: Invitae Variant Classification Sherloc (09022015). Collection method: clinical testing. Allele origin: germline.
Comment: This variant is not present in population databases (gnomAD no frequency). This sequence change creates a premature translational stop signal (p.Glu1231*) in the SCN3A gene. It is expected to result in an absent or disrupted protein product. However, the current clinical and genetic evidence is not sufficient to establish whether loss-of-function variants in SCN3A cause disease. This variant has not been reported in the literature in individuals affected with SCN3A-related conditions. In summary, the available evidence is currently insufficient to determine the role of this variant in disease. Therefore, it has been classified as a Variant of Uncertain Significance.

NM_006922.4(SCN3A):c.3690dup (p.Glu1231Ter)

Gene: SCN3A (sodium voltage-gated channel alpha subunit 3; minus strand). Cytogenetic location: 2q24.3.
Variant type: Duplication.
Coding change: c.3690dup on transcript NM_006922.4 (MANE Select); coding-DNA position 3690, one base duplicated (T; older notation c.3690dupT).
Protein change: p.Glu1231Ter; replaces glutamic acid 1231 with a stop codon.
Molecular consequence: nonsense.
Genome position (GRCh38, 1-based): chr2:165,113,038, A duplicated on the plus strand (T on the coding strand, the reverse complement: SCN3A is on the minus strand); the first of 2 consecutive A bases (chr2:165,113,038-165,113,039); duplicating either gives the same sequence. VCF-style (leftmost placement, unchanged base first): chr2-165113037-C-CA. GRCh37 (hg19) VCF-style: chr2-165969547-C-CA.
Other names: c.3543dup, p.Glu1182Ter (NM_001081676.2, NM_001081677.2); short protein forms E1182*, E1231*.
Identifiers: ClinVar variation 2126492 (VCV002126492.4), dbSNP rs2468150558, ClinGen allele CA2580064190.
Genomic context (GRCh38, chr2:165,113,037, plus strand): 5'-ATATATAGGTAAAGACTTTGTCAGCATATTCTAGCATGGTTTTGATAGTCTTTCGCTGTT[C>CA]AATGTATATATCTTCAAAGGCCTATGAATCAAAAATATTTTATTTTACTTAAATGGCTTG-3'